The following is an entry in ClinVar:

NM_006978.3(RNF113A):c.816A>C (p.Pro272=)

Gene: RNF113A (ring finger protein 113A; minus strand). Cytogenetic location: Xq24.
Variant type: single nucleotide variant.
Coding change: c.816A>C on transcript NM_006978.3 (MANE Select); coding-DNA position 816, A replaced by C.
Protein change: p.Pro272=; no amino-acid change (proline 272 retained).
Molecular consequence: synonymous variant.
Genome position (GRCh38, 1-based): chrX:119,870,798, T>G on the plus strand (A>C on the coding strand, the complement: RNF113A is on the minus strand). VCF-style: chrX-119870798-T-G. GRCh37 (hg19) VCF-style: chrX-119004761-T-G.
Identifiers: ClinVar variation 2848367 (VCV002848367.3), dbSNP rs1459426345, ClinGen allele CA518447161.

ClinVar aggregate classification (germline): Uncertain significance (1 of 4 stars; one submission).

Submission:

Labcorp Genetics (formerly Invitae), Labcorp
Classification: Uncertain significance. Last evaluated: 2023-10-13. Review status: criteria provided, single submitter. Criteria: Invitae Variant Classification Sherloc (09022015). Collection method: clinical testing. Allele origin: germline.
Comment: This sequence change affects codon 272 of the RNF113A mRNA. It is a 'silent' change, meaning that it does not change the encoded amino acid sequence of the RNF113A protein. This variant is not present in population databases (gnomAD no frequency). This variant has not been reported in the literature in individuals affected with RNF113A-related conditions. In summary, the available evidence is currently insufficient to determine the role of this variant in disease. Therefore, it has been classified as a Variant of Uncertain Significance.